The following is an entry in ClinVar:

ClinVar aggregate classification (germline): Pathogenic (1 of 4 stars; one submission).

Conditions:
Hereditary cancer-predisposing syndrome. Also called: Neoplastic Syndromes, Hereditary; Tumor predisposition; Hereditary Cancer Syndrome; Hereditary neoplastic syndrome. Identifiers: Orphanet 140162, MedGen C0027672, MeSH D009386, MONDO:0015356.

Submission:

Ambry Genetics
Classification: Pathogenic for Hereditary cancer-predisposing syndrome. Last evaluated: 2025-09-24. Review status: criteria provided, single submitter. Criteria: Ambry Variant Classification Scheme 2023. Collection method: clinical testing. Allele origin: germline.
Comment: The c.1531delC pathogenic mutation, located in coding exon 9 of the DICER1 gene, results from a deletion of one nucleotide at nucleotide position 1531, causing a translational frameshift with a predicted alternate stop codon (p.H511Mfs*12). This variant was reported in individual(s) with features consistent with DICER1-related tumor predisposition syndrome (Ambry internal data). This variant is considered to be rare based on population cohorts in the Genome Aggregation Database (gnomAD). This alteration is expected to result in loss of function by premature protein truncation or nonsense-mediated mRNA decay. As such, this alteration is interpreted as a disease-causing mutation.

NM_177438.3(DICER1):c.1531del (p.His511fs)

Gene: DICER1 (dicer 1, ribonuclease III; minus strand). Cytogenetic location: 14q32.13.
Variant type: Deletion.
Coding change: c.1531del on transcript NM_177438.3 (MANE Select); coding-DNA position 1531, one base deleted (C; older notation c.1531delC).
Protein change: p.His511fs; shifts the reading frame from histidine 511.
Molecular consequence: frameshift variant. On other transcripts: non-coding transcript variant (6), intron variant (1).
Genome position (GRCh38, 1-based): chr14:95,116,674, G deleted on the plus strand (C on the coding strand, the reverse complement: DICER1 is on the minus strand). VCF-style (leftmost placement, unchanged base first): chr14-95116673-TG-T. GRCh37 (hg19) VCF-style: chr14-95583010-TG-T.
Other names: c.1531del, p.His511fs (NM_001195573.1, NM_001271282.3, NM_001291628.2 and 12 more transcripts); c.1249del, p.His417fs (NM_001395686.1); c.1126del, p.His376fs (NM_001395687.1, NM_001395688.1, NM_001395689.1 and 3 more transcripts); c.964del, p.His322fs (NM_001395691.1); c.-59-94del (NM_001395697.1); short protein forms H322fs, H417fs, H511fs, H376fs.
Identifiers: ClinVar variation 4636860 (VCV004636860.1).